The following is an entry in ClinVar:

NM_001283009.2(RTEL1):c.2767A>G (p.Lys923Glu)

Genes: RTEL1 (regulator of telomere elongation helicase 1; plus strand), RTEL1-TNFRSF6B (RTEL1-TNFRSF6B readthrough (NMD candidate); plus strand). Cytogenetic location: 20q13.33.
Variant type: single nucleotide variant.
Coding change: c.2767A>G on transcript NM_001283009.2 (MANE Select); coding-DNA position 2767, A replaced by G.
Protein change: p.Lys923Glu; replaces lysine 923 with glutamic acid.
Molecular consequence: missense variant. On other transcripts: non-coding transcript variant (1).
Genome position (GRCh38, 1-based): chr20:63,692,919, A>G. VCF-style: chr20-63692919-A-G. GRCh37 (hg19) VCF-style: chr20-62324272-A-G.
Other names: c.2098A>G, p.Lys700Glu (NM_001283010.1); c.2767A>G, p.Lys923Glu (NM_016434.4); c.2839A>G, p.Lys947Glu (NM_032957.5); short protein forms K700E, K923E, K947E.
Identifiers: ClinVar variation 2585522 (VCV002585522.1), dbSNP rs1260014272, ClinGen allele CA409683003.

ClinVar aggregate classification (germline): Uncertain significance (1 of 4 stars; one submission).

Conditions:
Dyskeratosis congenita, autosomal recessive 5 (DKCB5). Identifiers: MedGen C3554656, MONDO:0014076, OMIM 615190.

Submission:

Neuberg Centre For Genomic Medicine, NCGM
Classification: Uncertain significance for Dyskeratosis congenita, autosomal recessive 5. Review status: criteria provided, single submitter. Criteria: ACMG Guidelines, 2015. Collection method: clinical testing. Allele origin: germline. Inheritance: Autosomal recessive inheritance. Affected: yes.
Comment: The missense variant in c.2767A>G (p.Lys923Glu) in RTEL1 gene has not been reported previously as a pathogenic variant nor as a benign variant, to our knowledge. The p.Lys923Glu variant is novel (not in any individuals) in 1000 Genomes and has allele frequency of 0.0004002% in gnomAD database. This variant has not been reported to the ClinVar database. The amino acid Lys at position 923 is changed to a Glu changing protein sequence and it might alter its composition and physico-chemical properties. The variant is predicted to be damaging by both SIFT and PolyPhen2. The amino acid change p.Lys923Glu in RTEL1 is predicted as conserved by GERP++ and PhyloP across 100 vertebrates. For these reasons, this variant has been classified as Uncertain Significance (VUS).